The following is an entry in ClinVar:

ClinVar aggregate classification (germline): Benign. Review status: criteria provided, multiple submitters, no conflicts (2 of 4 stars). 3 submissions from 3 submitters: Benign (3). Last evaluated 2026-01-18.

Conditions:
Bethlem myopathy 1A. Also called: MYOPATHY, BENIGN CONGENITAL, WITH CONTRACTURES; Bethlem myopathy 1; Bethlem Muscular Dystrophy. Identifiers: Orphanet 610, MedGen CN029274, MONDO:0024530, OMIM 158810.

Allele frequency attached by ClinVar (database versions not stated): gnomAD exomes 0.00072 and 0.00168; ExAC 0.00211; 1000 Genomes Project 0.00539; 1000 Genomes Project 30x 0.00562; gnomAD 0.00652 and 0.00705; TOPMed 0.00734; ESP Exome Variant Server 0.00792.
gnomAD v4.1: 2,095 of 1,613,386 alleles (0.13%); highest among the groups gnomAD compares: African/African-American, 2.3%; 18 homozygotes.

Submissions (3):

Labcorp Genetics (formerly Invitae), Labcorp
Classification: Benign for Bethlem myopathy 1A. Last evaluated: 2026-01-18. Review status: criteria provided, single submitter. Criteria: Invitae Variant Classification Sherloc (09022015). Collection method: clinical testing. Allele origin: germline.

GeneDx
Classification: Benign. Last evaluated: 2017-01-20. Review status: criteria provided, single submitter. Criteria: GeneDx Variant Classification (06012015). Collection method: clinical testing. Allele origin: germline. Affected: yes.
Comment: This variant is considered likely benign or benign based on one or more of the following criteria: it is a conservative change, it occurs at a poorly conserved position in the protein, it is predicted to be benign by multiple in silico algorithms, and/or has population frequency not consistent with disease.

Breakthrough Genomics
Classification: Benign. Review status: criteria provided, single submitter. Criteria: ACMG Guidelines, 2015. Collection method: not provided. Allele origin: germline. Inheritance: Autosomal recessive inheritance. Affected: yes.

NM_001848.3(COL6A1):c.1182+20C>T

Gene: COL6A1 (collagen type VI alpha 1 chain; plus strand). Cytogenetic location: 21q22.3.
Variant type: single nucleotide variant.
Coding change: c.1182+20C>T on transcript NM_001848.3 (MANE Select); 20 bases into the intron after coding-DNA position 1182, C replaced by T.
Molecular consequence: intron variant.
Genome position (GRCh38, 1-based): chr21:45,992,092, C>T. VCF-style: chr21-45992092-C-T. GRCh37 (hg19) VCF-style: chr21-47412006-C-T.
Identifiers: ClinVar variation 506482 (VCV000506482.10), dbSNP rs7275706, ClinGen allele CA10070132.